The following is an entry in ClinVar:

ClinVar aggregate classification (germline): Pathogenic/Likely pathogenic. Review status: criteria provided, multiple submitters, no conflicts (2 of 4 stars). 5 submissions from 5 submitters: Pathogenic (4); Likely pathogenic (1). Last evaluated 2024-01-05.

Conditions:
Neuromuscular disease caused by qualitative or quantitative defects of dysferlin. Also called: Qualitative or quantitative defects of dysferlin; Dysferlinopathy. Identifiers: Orphanet 207073, MedGen C2931687, MONDO:0016145.
Autosomal recessive limb-girdle muscular dystrophy. Identifiers: Orphanet 102015, MedGen C2931907, MONDO:0015152.
Miyoshi muscular dystrophy 1 (MMD1). Identifiers: Orphanet 45448, MedGen C4551973, MONDO:0024545, OMIM 254130.
Autosomal recessive limb-girdle muscular dystrophy type 2B (LGMDR2). Also called: MUSCULAR DYSTROPHY, LIMB-GIRDLE, AUTOSOMAL RECESSIVE 2; MUSCULAR DYSTROPHY, LIMB-GIRDLE, TYPE 3; Limb-Girdle Muscular Dystrophy Type 2B (LGMD2B); Limb-girdle muscular dystrophy, type 2B. Identifiers: Orphanet 268, MedGen C1850889, MONDO:0009676, OMIM 253601.
Distal myopathy with anterior tibial onset. Identifiers: Orphanet 178400, MedGen C1847532, MONDO:0011721, OMIM 606768.

Submissions (5):

Fulgent Genetics
Classification: Likely pathogenic for Autosomal recessive limb-girdle muscular dystrophy type 2B; Miyoshi muscular dystrophy 1; Distal myopathy with anterior tibial onset. Last evaluated: 2024-01-05. Review status: criteria provided, single submitter. Criteria: ACMG Guidelines, 2015. Collection method: clinical testing. Allele origin: germline.

Baylor Genetics
Classification: Pathogenic for Miyoshi muscular dystrophy 1. Last evaluated: 2022-12-28. Review status: criteria provided, single submitter. Criteria: ACMG Guidelines, 2015. Collection method: clinical testing. Allele origin: unknown.

Women's Health and Genetics/Laboratory Corporation of America, LabCorp
Classification: Pathogenic for Autosomal recessive limb-girdle muscular dystrophy. Last evaluated: 2022-11-08. Review status: criteria provided, single submitter. Criteria: LabCorp Variant Classification Summary - May 2015. Collection method: clinical testing. Allele origin: germline.
Comment: Variant summary: DYSF c.5525+1G>A is located in a canonical splice-site and is predicted to affect mRNA splicing resulting in a significantly altered protein due to either exon skipping, shortening, or inclusion of intronic material. Several computational tools predict a significant impact on normal splicing: Four predict the variant abolishes a canonical 5' splicing donor site. However, these predictions have yet to be confirmed by functional studies. The variant was absent in 228924 control chromosomes. c.5525+1G>A has been reported in the literature in individuals affected with Limb-Girdle Muscular Dystrophy and Miyoshi myopathy (Cacciottolo_2011, Walter_2013), with one family reported as compound heterozygous, carrying a second (likely) pathogenic variant. These data indicate that the variant is likely associated with disease. To our knowledge, no experimental evidence demonstrating an impact on protein function has been reported. One clinical diagnostic laboratory has submitted clinical-significance assessments for this variant to ClinVar after 2014 without evidence for independent evaluation, classifying the variant as pathogenic. Based on the evidence outlined above, the variant was classified as pathogenic.

Labcorp Genetics (formerly Invitae), Labcorp
Classification: Pathogenic for Neuromuscular disease caused by qualitative or quantitative defects of dysferlin. Last evaluated: 2022-07-10. Review status: criteria provided, single submitter. Criteria: Invitae Variant Classification Sherloc (09022015). Collection method: clinical testing. Allele origin: germline.
Comment: ClinVar contains an entry for this variant (Variation ID: 167030). Disruption of this splice site has been observed in individual(s) with DYSF-related conditions (PMID: 21522182). This variant is not present in population databases (gnomAD no frequency). This sequence change affects a donor splice site in intron 49 of the DYSF gene. RNA analysis indicates that disruption of this splice site induces altered splicing and likely results in a shortened protein product. Studies have shown that disruption of this splice site results in skipping of exon 49, but is expected to preserve the integrity of the reading-frame (PMID: 21522182). For these reasons, this variant has been classified as Pathogenic. This variant disrupts a region of the DYSF protein in which other variant(s) (p.Asp1837Asn) have been determined to be pathogenic (PMID: 11257469, 22194990). This suggests that this is a clinically significant region of the protein, and that variants that disrupt it are likely to be disease-causing.

Eurofins Ntd Llc (ga)
Classification: Pathogenic. Last evaluated: 2014-01-23. Review status: criteria provided, single submitter. Criteria: EGL Classification Definitions. Collection method: clinical testing. Allele origin: germline. Observed: 1 variant allele, 1 homozygote.

Literature cited by the submitters: PubMed 21522182 (cited by Women's Health and Genetics/Laboratory Corporation of America, LabCorp and Labcorp Genetics (formerly Invitae), Labcorp); PubMed 23406536 (cited by Women's Health and Genetics/Laboratory Corporation of America, LabCorp); PubMed 11257469 (cited by Labcorp Genetics (formerly Invitae), Labcorp); PubMed 22194990 (cited by Labcorp Genetics (formerly Invitae), Labcorp).

NM_001130987.2(DYSF):c.5642+1G>A

Gene: DYSF (dysferlin; plus strand). Cytogenetic location: 2p13.2.
Variant type: single nucleotide variant.
Coding change: c.5642+1G>A on transcript NM_001130987.2 (MANE Select); the canonical splice donor site of the intron after coding-DNA position 5642, G replaced by A.
Molecular consequence: splice donor variant.
Genome position (GRCh38, 1-based): chr2:71,669,208, G>A. VCF-style: chr2-71669208-G-A. GRCh37 (hg19) VCF-style: chr2-71896338-G-A.
Other names: c.5618+1G>A (NM_001130979.2); c.5639+1G>A (NM_001130981.2); c.5576+1G>A (NM_001130980.2); c.5588+1G>A (NM_001130978.2); c.5525+1G>A (NM_003494.4); c.5546+1G>A (NM_001130977.2); c.5483+1G>A (NM_001130976.2); c.5621+1G>A (NM_001130982.2); and 5 more.
Identifiers: ClinVar variation 167030 (VCV000167030.17), dbSNP rs727503915, ClinGen allele CA233946.